The following is an entry in ClinVar:

NM_030625.3(TET1):c.2328A>G (p.Lys776=)

Gene: TET1 (tet methylcytosine dioxygenase 1; plus strand). Cytogenetic location: 10q21.3.
Variant type: single nucleotide variant.
Coding change: c.2328A>G on transcript NM_030625.3 (MANE Select); coding-DNA position 2328, A replaced by G.
Protein change: p.Lys776=; no amino-acid change (lysine 776 retained).
Molecular consequence: synonymous variant. On other transcripts: intron variant (4).
Genome position (GRCh38, 1-based): chr10:68,645,057, A>G. VCF-style: chr10-68645057-A-G. GRCh37 (hg19) VCF-style: chr10-70404814-A-G.
Other names: c.2328A>G, p.Lys776= (NM_001406365.1); c.417A>G, p.Lys139= (NM_001406367.1); c.315A>G, p.Lys105= (NM_001406368.1, NM_001406369.1, NM_001406370.1 and 2 more transcripts); c.1969-21988A>G (NM_001406373.1, NM_001406374.1); c.-80-6789A>G (NM_001406375.1, NM_001406376.1).
Identifiers: ClinVar variation 3053639 (VCV003053639.2), dbSNP rs147562903, ClinGen allele CA5526251.

ClinVar aggregate classification (germline): Benign (0 of 4 stars; one submission).

Conditions:
TET1-related disorder. Also called: TET1-related condition.

Allele frequency attached by ClinVar (database versions not stated): gnomAD exomes 0.00020; ExAC 0.00071; gnomAD 0.00194; 1000 Genomes Project 30x 0.00203; 1000 Genomes Project 0.00220; TOPMed 0.00222; ESP Exome Variant Server 0.00223.
gnomAD v4.1: 596 of 1,612,898 alleles (0.037%); highest among the groups gnomAD compares: African/African-American, 0.71%; 1 homozygote.

Submission:

PreventionGenetics, part of Exact Sciences
Classification: Benign for TET1-related condition. Last evaluated: 2019-10-28. Review status: no assertion criteria provided. Collection method: clinical testing. Allele origin: germline.
Comment: This variant is classified as benign based on ACMG/AMP sequence variant interpretation guidelines (Richards et al. 2015 PMID: 25741868, with internal and published modifications).